The following is an entry in ClinVar:

NM_001365715.1(LRCH3):c.1252-4C>T

Gene: LRCH3 (leucine rich repeats and calponin homology domain containing 3; plus strand). Cytogenetic location: 3q29.
Variant type: single nucleotide variant.
Coding change: c.1252-4C>T on transcript NM_001365715.1 (MANE Select); 4 bases into the intron before coding-DNA position 1252, C replaced by T.
Molecular consequence: intron variant.
Genome position (GRCh38, 1-based): chr3:197,839,317, C>T. VCF-style: chr3-197839317-C-T. GRCh37 (hg19) VCF-style: chr3-197566188-C-T.
Other names: c.1252-4C>T (NM_001363887.1, NM_001365716.1, NM_001365718.1 and 3 more transcripts).
Identifiers: ClinVar variation 3044299 (VCV003044299.2), dbSNP rs1043169943, ClinGen allele CA90989722.

ClinVar aggregate classification (germline): Likely benign (0 of 4 stars; one submission).

Conditions:
LRCH3-related disorder. Also called: LRCH3-related condition.

Allele frequency attached by ClinVar (database versions not stated): gnomAD exomes below 0.00001; TOPMed 0.00001.
gnomAD v4.1: 4 of 1,582,582 alleles (0.00025%); highest among the groups gnomAD compares: African/African-American, 0.0055%; no homozygotes.

Submission:

PreventionGenetics, part of Exact Sciences
Classification: Likely benign for LRCH3-related condition. Last evaluated: 2019-06-06. Review status: no assertion criteria provided. Collection method: clinical testing. Allele origin: germline.
Comment: This variant is classified as likely benign based on ACMG/AMP sequence variant interpretation guidelines (Richards et al. 2015 PMID: 25741868, with internal and published modifications).